The following is an entry in ClinVar:

NM_024408.4(NOTCH2):c.2796T>G (p.Thr932=)

Gene: NOTCH2 (notch receptor 2; minus strand). Cytogenetic location: 1p12.
Variant type: single nucleotide variant.
Coding change: c.2796T>G on transcript NM_024408.4 (MANE Select); coding-DNA position 2796, T replaced by G.
Protein change: p.Thr932=; no amino-acid change (threonine 932 retained).
Molecular consequence: synonymous variant.
Genome position (GRCh38, 1-based): chr1:119,941,711, A>C on the plus strand (T>G on the coding strand, the complement: NOTCH2 is on the minus strand). VCF-style: chr1-119941711-A-C. GRCh37 (hg19) VCF-style: chr1-120484334-A-C.
Other names: c.2796T>G, p.Thr932= (NM_001200001.2); c.2796T>G (NM_024408.3).
Identifiers: ClinVar variation 2037895 (VCV002037895.34), dbSNP rs369892744, ClinGen allele CA1040196.

ClinVar aggregate classification (germline): Benign/Likely benign. Review status: criteria provided, multiple submitters, no conflicts (2 of 4 stars). 4 submissions from 4 submitters: Benign (1); Likely benign (3). Last evaluated 2024-11-22.

Conditions:
NOTCH2-related disorder. Also called: NOTCH2-related condition.
Hajdu-Cheney syndrome (HJCYS). Also called: SERPENTINE FIBULA-POLYCYSTIC KIDNEY SYNDROME; Acroosteolysis dominant type; ACROOSTEOLYSIS WITH OSTEOPOROSIS AND CHANGES IN SKULL AND MANDIBLE. Identifiers: Orphanet 955, MedGen C0917715, MONDO:0007057, OMIM 102500.

Allele frequency attached by ClinVar (database versions not stated): TOPMed 0.00002; gnomAD 0.00003; gnomAD exomes 0.00006; ExAC 0.00007; ESP Exome Variant Server 0.00008.
gnomAD v4.1: 91 of 1,614,072 alleles (0.0056%); highest among the groups gnomAD compares: Non-Finnish European, 0.002%; no homozygotes.

Submissions (4):

Blueprint Genetics
Classification: Likely benign. Last evaluated: 2024-11-22. Review status: criteria provided, single submitter. Criteria: ACMG Guidelines, 2015. Collection method: clinical testing. Allele origin: germline.

PreventionGenetics, part of Exact Sciences
Classification: Likely benign for NOTCH2-related condition. Last evaluated: 2024-10-23. Review status: criteria provided, single submitter. Criteria: ACMG Guidelines, 2015. Collection method: clinical testing. Allele origin: germline.
Comment: This variant is classified as likely benign based on ACMG/AMP sequence variant interpretation guidelines (Richards et al. 2015 PMID: 25741868, with internal and published modifications).

Labcorp Genetics (formerly Invitae), Labcorp
Classification: Benign for Hajdu-Cheney syndrome. Last evaluated: 2024-03-21. Review status: criteria provided, single submitter. Criteria: Invitae Variant Classification Sherloc (09022015). Collection method: clinical testing. Allele origin: germline.

CeGaT Center for Human Genetics Tuebingen
Classification: Likely benign. Last evaluated: 2023-01-01. Review status: criteria provided, single submitter. Criteria: CeGaT Center For Human Genetics Tuebingen Variant Classification Criteria Version 2. Collection method: clinical testing. Allele origin: germline. Affected: yes. Observed: 1 variant allele.
Comment: NOTCH2: BP4, BP7